The following is an entry in ClinVar:

ClinVar aggregate classification (germline): Uncertain significance (1 of 4 stars; one submission).

Conditions:
Hypokalemic periodic paralysis, type 1. Also called: Hypokalemic Periodic Paralysis Type 1 (AD); HypoPP. Identifiers: Orphanet 681, MedGen C3714580, MONDO:0042979, OMIM 170400.
Malignant hyperthermia, susceptibility to, 5 (MHS5). Also called: CACNA1S-Related Malignant Hyperthermia Susceptibility. Identifiers: Orphanet 423, MedGen C1866077, MONDO:0011163, OMIM 601887.

Allele frequency attached by ClinVar (database versions not stated): gnomAD exomes below 0.00001.
gnomAD v4.1: 1 of 1,614,056 alleles (0.000062%); highest among the groups gnomAD compares: South Asian, 0.0011%; no homozygotes.

Submission:

Labcorp Genetics (formerly Invitae), Labcorp
Classification: Uncertain significance for Hypokalemic periodic paralysis, type 1; Malignant hyperthermia, susceptibility to, 5. Last evaluated: 2019-09-11. Review status: criteria provided, single submitter. Criteria: Invitae Variant Classification Sherloc (09022015). Collection method: clinical testing. Allele origin: germline.
Comment: Algorithms developed to predict the effect of missense changes on protein structure and function are either unavailable or do not agree on the potential impact of this missense change (SIFT: "Deleterious"; PolyPhen-2: "Probably Damaging"; Align-GVGD: "Class C0"). This variant has not been reported in the literature in individuals with CACNA1S-related conditions. This variant is not present in population databases (ExAC no frequency). This sequence change replaces aspartic acid with glycine at codon 500 of the CACNA1S protein (p.Asp500Gly). The aspartic acid residue is highly conserved and there is a moderate physicochemical difference between aspartic acid and glycine. In summary, the available evidence is currently insufficient to determine the role of this variant in disease. Therefore, it has been classified as a Variant of Uncertain Significance.

NM_000069.3(CACNA1S):c.1499A>G (p.Asp500Gly)

Gene: CACNA1S (calcium voltage-gated channel subunit alpha1 S; minus strand). Cytogenetic location: 1q32.1.
Variant type: single nucleotide variant.
Coding change: c.1499A>G on transcript NM_000069.3 (MANE Select); coding-DNA position 1499, A replaced by G.
Protein change: p.Asp500Gly; replaces aspartic acid 500 with glycine.
Molecular consequence: missense variant.
Genome position (GRCh38, 1-based): chr1:201,077,999, T>C on the plus strand (A>G on the coding strand, the complement: CACNA1S is on the minus strand). VCF-style: chr1-201077999-T-C. GRCh37 (hg19) VCF-style: chr1-201047127-T-C.
Other names: short protein forms D500G.
Identifiers: ClinVar variation 840049 (VCV000840049.10), dbSNP rs1661693985, ClinGen allele CA344121994.